The following is an entry in ClinVar:

ClinVar aggregate classification (germline): Uncertain significance. Review status: criteria provided, multiple submitters, no conflicts (2 of 4 stars). 2 submissions from 2 submitters: Uncertain significance (2). Last evaluated 2025-08-25.

Conditions:
Inborn genetic diseases. Identifiers: MedGen C0950123, MeSH D030342.

Allele frequency attached by ClinVar (database versions not stated): gnomAD exomes below 0.00001; ExAC 0.00001; gnomAD 0.00001.
gnomAD v4.1: 9 of 1,611,734 alleles (0.00056%); highest among the groups gnomAD compares: African/African-American, 0.0081%; no homozygotes.

Submissions (2):

Labcorp Genetics (formerly Invitae), Labcorp
Classification: Uncertain significance. Last evaluated: 2025-08-25. Review status: criteria provided, single submitter. Criteria: Invitae Variant Classification Sherloc (09022015). Collection method: clinical testing. Allele origin: germline.
Comment: This sequence change replaces serine, which is neutral and polar, with asparagine, which is neutral and polar, at codon 3467 of the PCLO protein (p.Ser3467Asn). This variant is present in population databases (rs767456374, gnomAD 0.0009%). This variant has not been reported in the literature in individuals affected with PCLO-related conditions. ClinVar contains an entry for this variant (Variation ID: 1349995). Experimental studies and prediction algorithms are not available or were not evaluated, and the functional significance of this variant is currently unknown. In summary, the available evidence is currently insufficient to determine the role of this variant in disease. Therefore, it has been classified as a Variant of Uncertain Significance.

Ambry Genetics
Classification: Uncertain significance for Inborn genetic diseases. Last evaluated: 2022-10-03. Review status: criteria provided, single submitter. Criteria: Ambry Variant Classification Scheme 2023. Collection method: clinical testing. Allele origin: germline.

NM_033026.6(PCLO):c.10400G>A (p.Ser3467Asn)

Gene: PCLO (piccolo presynaptic cytomatrix protein; minus strand). Cytogenetic location: 7q21.11.
Variant type: single nucleotide variant.
Coding change: c.10400G>A on transcript NM_033026.6 (MANE Select); coding-DNA position 10400, G replaced by A.
Protein change: p.Ser3467Asn; replaces serine 3467 with asparagine.
Molecular consequence: missense variant.
Genome position (GRCh38, 1-based): chr7:82,950,188, C>T on the plus strand (G>A on the coding strand, the complement: PCLO is on the minus strand). VCF-style: chr7-82950188-C-T. GRCh37 (hg19) VCF-style: chr7-82579504-C-T.
Other names: c.10400G>A, p.Ser3467Asn (NM_014510.3); c.10400G>A (NM_033026.5); short protein forms S3467N.
Identifiers: ClinVar variation 1349995 (VCV001349995.6), dbSNP rs767456374, ClinGen allele CA4319740.